The following is an entry in ClinVar:

NM_000552.5(VWF):c.103T>A (p.Cys35Ser)

Gene: VWF (von Willebrand factor; minus strand). Cytogenetic location: 12p13.31.
Variant type: single nucleotide variant.
Coding change: c.103T>A on transcript NM_000552.5 (MANE Select); coding-DNA position 103, T replaced by A.
Protein change: p.Cys35Ser; replaces cysteine 35 with serine.
Molecular consequence: missense variant.
Genome position (GRCh38, 1-based): chr12:6,121,291, A>T on the plus strand (T>A on the coding strand, the complement: VWF is on the minus strand). VCF-style: chr12-6121291-A-T. GRCh37 (hg19) VCF-style: chr12-6230457-A-T.
Other names: p.Cys35Ser; short protein forms C35S.
Identifiers: ClinVar variation 3380081 (VCV003380081.1).

ClinVar aggregate classification (germline): Uncertain significance (1 of 4 stars; one submission).

Submission:

Mayo Clinic Laboratories, Mayo Clinic
Classification: Uncertain significance. Last evaluated: 2024-08-22. Review status: criteria provided, single submitter. Criteria: ACMG Guidelines, 2015. Collection method: clinical testing. Allele origin: germline. Observed: 1 variant allele.
Comment: PP3, PM1_supporting, PM2, PM5